The following is an entry in ClinVar:

NM_001042492.3(NF1):c.7577dup (p.Met2526fs)

Gene: NF1 (neurofibromin 1; plus strand). Cytogenetic location: 17q11.2.
Variant type: Duplication.
Coding change: c.7577dup on transcript NM_001042492.3 (MANE Select); coding-DNA position 7577, one base duplicated (T; older notation c.7577dupT).
Protein change: p.Met2526fs; shifts the reading frame from methionine 2526.
Molecular consequence: frameshift variant.
Genome position (GRCh38, 1-based): chr17:31,352,376, T duplicated. VCF-style (leftmost placement, unchanged base first): chr17-31352375-A-AT. GRCh37 (hg19) VCF-style: chr17-29679393-A-AT.
Other names: c.7514dup, p.Met2505Ilefs (NM_000267.4); c.7514dupT (NM_000267.3); short protein forms M2526fs, M2505fs.
Identifiers: ClinVar variation 423707 (VCV000423707.2), dbSNP rs1555536367, ClinGen allele CA16620376.

ClinVar aggregate classification (germline): Likely pathogenic (1 of 4 stars; one submission).

Submission:

GeneDx
Classification: Likely pathogenic. Last evaluated: 2017-10-04. Review status: criteria provided, single submitter. Criteria: GeneDx Variant Classification (06012015). Collection method: clinical testing. Allele origin: germline. Affected: yes.
Comment: The c.7514dupT variant has not been published as a pathogenic variant, nor has it been reported as a benign variant to our knowledge. The c.7514dupT variant is not observed in large population cohorts (Lek et al., 2016; 1000 Genomes Consortium et al., 2015; Exome Variant Server). The c.7514dupT variant causes a frameshift starting with codon Methionine 2505, changes this amino acid to an Isoleucine residue and creates a premature Stop codon at position 10 of the new reading frame, denoted p.Met2505IlefsX10. This pathogenic variant is predicted to cause loss of normal protein function either through protein truncation or nonsense-mediated mRNA decay. In summary, this variant is likely pathogenic.